The following is an entry in ClinVar:

NM_025114.3(CEP290):c.854_859del

Gene: CEP290 (centrosomal protein 290; minus strand). Cytogenetic location: 12q21.32.
Variant type: Deletion.
Coding change: c.854_859del on transcript NM_025114.3; coding-DNA positions 854 to 859, 6 bases deleted (TGCAGG; older notation c.854_859delTGCAGG).
Genome position (GRCh38, 1-based): chr12:88,129,029-88,129,034, CCTGCA deleted on the plus strand (TGCAGG on the coding strand, the reverse complement: CEP290 is on the minus strand); deleting any 6 consecutive bases within chr12:88,129,029-88,129,037 gives the same sequence; the c. name uses the placement nearest the transcript's 3' end. VCF-style (leftmost placement, unchanged base first): chr12-88129028-TCCTGCA-T. GRCh37 (hg19) VCF-style: chr12-88522805-TCCTGCA-T.
Identifiers: ClinVar variation 4064282 (VCV004064282.2).

ClinVar aggregate classification (germline): Uncertain significance. Review status: criteria provided, single submitter (1 of 4 stars). 2 submissions from 2 submitters: Uncertain significance (1). 1 of the submissions does not count toward it. Last evaluated 2026-01-12.

Conditions:
Leber congenital amaurosis (LCA). Also called: Leber's amaurosis. Identifiers: Orphanet 65, MedGen C0339527, MeSH D057130, MONDO:0018998.
CEP290-related ciliopathy. Also called: CEP290 ciliopathy. Identifiers: MedGen CN305601, MONDO:0100451.

Submissions (2):

Myriad Genetics, Inc.
Classification: Uncertain significance for CEP290-related ciliopathy. Last evaluated: 2026-01-12. Review status: criteria provided, single submitter. Criteria: Myriad Autosomal Dominant, Autosomal Recessive and X-Linked Classification Criteria (2023). Collection method: clinical testing. Allele origin: unknown.
Comment: NM_025114.3(CEP290):c.854_859del6(V285_Q286del) is an in-frame deletion classified as a variant of uncertain significance in the context of CEP290-related disorders. V285_Q286del has not been observed in cases with relevant disease. Relevant functional assessments of this variant are not available in the literature. V285_Q286del has not been observed in referenced population frequency databases. In summary, there is insufficient evidence to classify NM_025114.3(CEP290):c.854_859del6(V285_Q286del) as pathogenic or benign. Please note: this variant was assessed in the context of healthy population screening.

Natera, Inc.
Classification: Uncertain significance for Leber congenital amaurosis. Last evaluated: 2025-03-28. Review status: no assertion criteria provided. Collection method: clinical testing. Allele origin: germline. Not counted in ClinVar's aggregate classification.